The following is an entry in ClinVar:

NM_057088.3(KRT3):c.1525G>A (p.Glu509Lys)

Genes: KRT3 (keratin 3; minus strand), LOC126861527 (BRD4-independent group 4 enhancer GRCh37_chr12:53184490-53185689; plus strand). Cytogenetic location: 12q13.13.
Variant type: single nucleotide variant.
Coding change: c.1525G>A on transcript NM_057088.3 (MANE Select); coding-DNA position 1525, G replaced by A.
Protein change: p.Glu509Lys; replaces glutamic acid 509 with lysine.
Molecular consequence: missense variant.
Genome position (GRCh38, 1-based): chr12:52,791,216, C>T on the plus strand (G>A on the coding strand, the complement: KRT3 is on the minus strand). VCF-style: chr12-52791216-C-T. GRCh37 (hg19) VCF-style: chr12-53185000-C-T.
Other names: short protein forms E509K.
Identifiers: ClinVar variation 14632 (VCV000014632.5), dbSNP rs57872071, ClinGen allele CA124167.

ClinVar aggregate classification (germline): Conflicting classifications of pathogenicity. Review status: criteria provided, conflicting classifications (1 of 4 stars). 4 submissions from 4 submitters: Pathogenic (1); Uncertain significance (1). 2 of the submissions do not count toward it. Last evaluated 2025-12-24.

Conditions:
Corneal dystrophy, Meesmann, 2. Identifiers: MedGen C5231495, MONDO:0032904, OMIM 618767.

Allele frequency attached by ClinVar (database versions not stated): gnomAD 0.00001; gnomAD exomes 0.00001; TOPMed 0.00002.

Submissions (4):

Labcorp Genetics (formerly Invitae), Labcorp
Classification: Pathogenic. Last evaluated: 2025-12-24. Review status: criteria provided, single submitter. Criteria: Invitae Variant Classification Sherloc (09022015). Collection method: clinical testing. Allele origin: germline.
Comment: This sequence change replaces glutamic acid, which is acidic and polar, with lysine, which is basic and polar, at codon 509 of the KRT3 protein (p.Glu509Lys). This variant is present in population databases (rs57872071, gnomAD 0.003%). This missense change has been observed in individual(s) with Meesmann's corenal dystrophy (PMID: 9171831). It has also been observed to segregate with disease in related individuals. ClinVar contains an entry for this variant (Variation ID: 14632). Invitae Evidence Modeling of protein sequence and biophysical properties (such as structural, functional, and spatial information, amino acid conservation, physicochemical variation, residue mobility, and thermodynamic stability) indicates that this missense variant is expected to disrupt KRT3 protein function with a positive predictive value of 80%. For these reasons, this variant has been classified as Pathogenic.

Blueprint Genetics
Classification: Uncertain significance. Last evaluated: 2024-03-07. Review status: criteria provided, single submitter. Criteria: ACMG Guidelines, 2015. Collection method: clinical testing. Allele origin: germline.

OMIM
Classification: Pathogenic for CORNEAL DYSTROPHY, MEESMANN, 2. Last evaluated: 1997-06-01. Review status: no assertion criteria provided. Collection method: literature only. Allele origin: germline. Not counted in ClinVar's aggregate classification.

Epithelial Biology;  Institute of Medical Biology, Singapore
No classification provided. Review status: no classification provided. Collection method: not provided. Allele origin: not provided. Not counted in ClinVar's aggregate classification.

Literature cited by the submitters: PubMed 9171831 (cited by Labcorp Genetics (formerly Invitae), Labcorp and OMIM).